The following is an entry in ClinVar:

ClinVar aggregate classification (germline): Pathogenic (1 of 4 stars; one submission).

Conditions:
Microcephaly with or without chorioretinopathy, lymphedema, or impaired intellectual development. Also called: MICROCEPHALY AND CHORIORETINOPATHY WITH OR WITHOUT MENTAL RETARDATION, AUTOSOMAL DOMINANT; MICROCEPHALY, LYMPHEDEMA, CHORIORETINAL DYSPLASIA SYNDROME; Microcephaly with or without chorioretinopathy, lymphedema, or intellectual disability; Microcephaly with or without chorioretinopathy, lymphedema, or mental retardation; Microcephaly lymphedema chorioretinal dysplasia. Identifiers: Orphanet 2526, MedGen C1835265, MONDO:0007918, OMIM 152950.

Submission:

Victorian Clinical Genetics Services, Murdoch Childrens Research Institute
Classification: Pathogenic for Microcephaly with or without chorioretinopathy, lymphedema, or impaired intellectual development. Last evaluated: 2022-02-02. Review status: criteria provided, single submitter. Criteria: ACMG Guidelines, 2015. Collection method: clinical testing. Allele origin: germline. Inheritance: Autosomal dominant inheritance. Affected: yes.
Comment: Based on the classification scheme VCGS_Germline_v1.3.4, this variant is classified as Pathogenic. Following criteria are met: 0102 - Loss of function is a known mechanism of disease in this gene and is associated with microcephaly with or without chorioretinopathy, lymphedema, or intellectual disability (MIM#152950). (I) 0107 - This gene is associated with autosomal dominant disease. (I) 0112 - The condition associated with this gene has incomplete penetrance (PMIDs: 27212378, 24281367). (I) 0115 - Variants in this gene are known to have variable expressivity (OMIM). (I) 0211 - Canonical splice site variant without proven consequence on splicing (no functional evidence available). (SP) 0251 - This variant is heterozygous. (I) 0301 - Variant is absent from gnomAD (both v2 and v3). (SP) 0505 - Abnormal splicing is predicted by in silico tools and affected nucleotide is highly conserved. (SP) 0705 - No comparable splice site variants have previous evidence for pathogenicity. (I) 0807 - This variant has no previous evidence of pathogenicity. (I) 0905 - No published segregation evidence has been identified for this variant. (I) 1007 - No published functional evidence has been identified for this variant. (I) 1102 - Strong phenotype match for this individual. (SP) Legend: (SP) - Supporting pathogenic, (I) - Information, (SB) - Supporting benign

Literature cited by the submitters: PubMed 24281367; PubMed 27212378.

NM_004523.4(KIF11):c.2771-1G>C

Gene: KIF11 (kinesin family member 11; plus strand). Cytogenetic location: 10q23.33.
Variant type: single nucleotide variant.
Coding change: c.2771-1G>C on transcript NM_004523.4 (MANE Select); the canonical splice acceptor site of the intron before coding-DNA position 2771, G replaced by C.
Molecular consequence: splice acceptor variant.
Genome position (GRCh38, 1-based): chr10:92,649,834, G>C. VCF-style: chr10-92649834-G-C. GRCh37 (hg19) VCF-style: chr10-94409591-G-C.
Identifiers: ClinVar variation 1699270 (VCV001699270.3), dbSNP rs2135925601, ClinGen allele CA377805893.